The following is an entry in ClinVar:

ClinVar aggregate classification (germline): Conflicting classifications of pathogenicity. Review status: criteria provided, conflicting classifications (1 of 4 stars). 2 submissions from 2 submitters: Uncertain significance (1); Likely benign (1). Last evaluated 2024-10-10.

Conditions:
Gorlin syndrome. Also called: Basal cell nevus syndrome; Nevoid Basal Cell Carcinoma Syndrome. Identifiers: Orphanet 377, MedGen C0004779, MONDO:0007187.
Hereditary cancer-predisposing syndrome. Also called: Tumor predisposition; Neoplastic Syndromes, Hereditary; Hereditary Cancer Syndrome; Hereditary neoplastic syndrome. Identifiers: Orphanet 140162, MedGen C0027672, MeSH D009386, MONDO:0015356.

Submissions (2):

Ambry Genetics
Classification: Likely benign for Hereditary cancer-predisposing syndrome. Last evaluated: 2024-10-10. Review status: criteria provided, single submitter. Criteria: Ambry Variant Classification Scheme 2023. Collection method: clinical testing. Allele origin: germline.

Labcorp Genetics (formerly Invitae), Labcorp
Classification: Uncertain significance for Gorlin syndrome. Last evaluated: 2020-09-30. Review status: criteria provided, single submitter. Criteria: Invitae Variant Classification Sherloc (09022015). Collection method: clinical testing. Allele origin: germline.
Comment: In summary, the available evidence is currently insufficient to determine the role of this variant in disease. Therefore, it has been classified as a Variant of Uncertain Significance. Advanced modeling of protein sequence and biophysical properties (such as structural, functional, and spatial information, amino acid conservation, physicochemical variation, residue mobility, and thermodynamic stability) performed at Invitae indicates that this missense variant is not expected to disrupt PTCH1 protein function. This variant has not been reported in the literature in individuals with PTCH1-related conditions. This variant is not present in population databases (ExAC no frequency). This sequence change replaces asparagine with serine at codon 1351 of the PTCH1 protein (p.Asn1351Ser). The asparagine residue is weakly conserved and there is a small physicochemical difference between asparagine and serine.

NM_000264.5(PTCH1):c.4052A>G (p.Asn1351Ser)

Gene: PTCH1 (patched 1; minus strand). Cytogenetic location: 9q22.32.
Variant type: single nucleotide variant.
Coding change: c.4052A>G on transcript NM_000264.5 (MANE Select); coding-DNA position 4052, A replaced by G.
Protein change: p.Asn1351Ser; replaces asparagine 1351 with serine.
Molecular consequence: missense variant. On other transcripts: non-coding transcript variant (1).
Genome position (GRCh38, 1-based): chr9:95,447,204, T>C on the plus strand (A>G on the coding strand, the complement: PTCH1 is on the minus strand). VCF-style: chr9-95447204-T-C. GRCh37 (hg19) VCF-style: chr9-98209486-T-C.
Other names: c.3854A>G, p.Asn1285Ser (NM_001083602.3); c.4049A>G, p.Asn1350Ser (NM_001083603.3); c.3599A>G, p.Asn1200Ser (NM_001083604.3, NM_001083605.3, NM_001083606.3 and 1 more transcripts); c.3896A>G, p.Asn1299Ser (NM_001354918.2); short protein forms N1200S, N1285S, N1299S, N1350S, N1351S.
Identifiers: ClinVar variation 1063098 (VCV001063098.12), dbSNP rs1588510932, ClinGen allele CA374110413.
Genomic context (GRCh38, chr9:95,447,204, plus strand): 5'-ACAGTGGTGATGGGCTGGCAGTAGCCGGGCACGGAGCTGCCCATGGCAGTGGACGCTGGG[T>C]TCCGAGGGTTGTGAGAACGGGCCCCGCGAGGGCCCCAGCGGGCCCTATTGCTAGGGCCAG-3'
Protein context (NP_000255.2, residues 1341-1361): PRGARSHNPR[Asn1351Ser]PASTAMGSSV